The following is an entry in ClinVar:

ClinVar aggregate classification (germline): Uncertain significance. Review status: criteria provided, multiple submitters, no conflicts (2 of 4 stars). 4 submissions from 4 submitters: Uncertain significance (4). Last evaluated 2026-01-30.

Conditions:
Glucocorticoid deficiency 5. Identifiers: MedGen C4540522, MONDO:0040502, OMIM 617825.
Cardiovascular phenotype. Identifiers: MedGen CN230736.
Primary dilated cardiomyopathy (DCM). Also called: Dilated Cardiomyopathy. Identifiers: Orphanet 217604, MedGen C0007193, MeSH D002311, MONDO:0005021, HP:0001644. Inheritance: Various modes of inheritance.

Allele frequency attached by ClinVar (database versions not stated): gnomAD exomes 0.00003 and 0.00004; TOPMed 0.00020; ExAC 0.00003; gnomAD 0.00016 and 0.00015.
gnomAD v4.1: 81 of 1,534,352 alleles (0.0053%); highest among the groups gnomAD compares: African/African-American, 0.039%; no homozygotes.

Submissions (4):

GeneDx
Classification: Uncertain significance. Last evaluated: 2026-01-30. Review status: criteria provided, single submitter. Criteria: GeneDx Variant Classification Process June 2021. Collection method: clinical testing. Allele origin: germline.
Comment: Initiation codon variant in a gene for which loss-of-function is not a known mechanism of disease; Has not been previously published as pathogenic or benign to our knowledge; Variants in candidate genes are classified as variants of uncertain significance in accordance with ACMG guidelines (PMID: 25741868)

Labcorp Genetics (formerly Invitae), Labcorp
Classification: Uncertain significance for Primary dilated cardiomyopathy. Last evaluated: 2025-11-05. Review status: criteria provided, single submitter. Criteria: Invitae Variant Classification Sherloc (09022015). Collection method: clinical testing. Allele origin: germline.
Comment: This sequence change affects the initiator codon of the TXNRD2 mRNA. This change may impact translation initiation or efficiency. The next in-frame methionine is located at codon 4. The frequency data for this variant in the population databases is considered unreliable, as metrics indicate poor data quality at this position in the gnomAD database. This variant has not been reported in the literature in individuals affected with TXNRD2-related conditions. ClinVar contains an entry for this variant (Variation ID: 1000359). Experimental studies and prediction algorithms are not available or were not evaluated, and the functional significance of this variant is currently unknown. In summary, the available evidence is currently insufficient to determine the role of this variant in disease. Therefore, it has been classified as a Variant of Uncertain Significance.

Ambry Genetics
Classification: Uncertain significance for Cardiovascular phenotype. Last evaluated: 2024-03-20. Review status: criteria provided, single submitter. Criteria: Ambry Variant Classification Scheme 2023. Collection method: clinical testing. Allele origin: germline.
Comment: The p.M1? variant (also known as c.2T>C) is located in coding exon 1 of the TXNRD2 gene and results from a T to C substitution at nucleotide position 2. This alters the methionine residue at the initiation codon (ATG). This amino acid position is not well conserved in available vertebrate species. Sequence variations that modify the initiation codon are expected to result in either loss of translation initiation, N-terminal truncation, or cause a shift in the mRNA reading frame; however, loss of function of TXNRD2 has not been established as a mechanism of disease. The evidence for this gene-disease relationship is limited; therefore, the clinical significance of this alteration is unclear.

Fulgent Genetics
Classification: Uncertain significance for Glucocorticoid deficiency 5. Last evaluated: 2021-11-15. Review status: criteria provided, single submitter. Criteria: ACMG Guidelines, 2015. Collection method: clinical testing. Allele origin: unknown.

NM_006440.5(TXNRD2):c.2T>C (p.Met1Thr)

Genes: COMT (catechol-O-methyltransferase; plus strand), TXNRD2 (thioredoxin reductase 2; minus strand). Cytogenetic location: 22q11.21.
Variant type: single nucleotide variant.
Coding change: c.2T>C on transcript NM_006440.5 (MANE Select); coding-DNA position 2, T replaced by C.
Protein change: p.Met1Thr; changes the start codon (methionine 1).
Molecular consequence: missense variant, initiator codon variant. On other transcripts: non-coding transcript variant (1), 5 prime UTR variant (2).
Genome position (GRCh38, 1-based): chr22:19,941,802, A>G on the plus strand (T>C on the coding strand, the complement: TXNRD2 is on the minus strand). VCF-style: chr22-19941802-A-G. GRCh37 (hg19) VCF-style: chr22-19929325-A-G.
Other names: c.2T>C, p.Met1Thr (NM_001282512.3, NM_001352300.2); c.-187A>G (NM_000754.4); c.-481A>G (NM_001362828.2); short protein forms M1T.
Identifiers: ClinVar variation 1000359 (VCV001000359.13), dbSNP rs749057584, ClinGen allele CA10104419.